The following is an entry in ClinVar:

NM_001032382.2(PQBP1):c.527G>A (p.Arg176Gln)

Gene: PQBP1 (polyglutamine binding protein 1; plus strand). Cytogenetic location: Xp11.23.
Variant type: single nucleotide variant.
Coding change: c.527G>A on transcript NM_001032382.2 (MANE Select); coding-DNA position 527, G replaced by A.
Protein change: p.Arg176Gln; replaces arginine 176 with glutamine.
Molecular consequence: missense variant. On other transcripts: intron variant (2).
Genome position (GRCh38, 1-based): chrX:48,902,467, G>A. VCF-style: chrX-48902467-G-A. GRCh37 (hg19) VCF-style: chrX-48759744-G-A.
Other names: c.527G>A, p.Arg176Gln (NM_001032381.2, NM_001032383.2, NM_001032384.1 and 2 more transcripts); c.503G>A, p.Arg168Gln (NM_001167990.2); c.227G>A, p.Arg76Gln (NM_001167992.1); c.293-265G>A (NM_144495.3, NM_001437502.1); short protein forms R168Q, R176Q, R76Q.
Identifiers: ClinVar variation 4531321 (VCV004531321.1).

ClinVar aggregate classification (germline): Uncertain significance (1 of 4 stars; one submission).

Conditions:
Renpenning syndrome. Also called: MENTAL RETARDATION, X-LINKED 55; MENTAL RETARDATION, X-LINKED, SYNDROMIC 8; SUTHERLAND-HAAN X-LINKED MENTAL RETARDATION SYNDROME; GOLABI-ITO-HALL SYNDROME; Mental retardation, X-linked Renpenning type; X-linked mental retardation with spastic diplegia. Identifiers: Orphanet 3242, MedGen C0796135, MONDO:0010653, OMIM 309500.

gnomAD v4.1: 3 of 1,208,197 alleles (0.00025%); highest among the groups gnomAD compares: Non-Finnish European, 0.00034%; no homozygotes.

Submission:

Victorian Clinical Genetics Services, Murdoch Childrens Research Institute
Classification: Uncertain significance for Renpenning syndrome. Last evaluated: 2025-10-08. Review status: criteria provided, single submitter. Criteria: ACMG Guidelines, 2015. Collection method: clinical testing. Allele origin: germline. Affected: yes.
Comment: This variant is classified as VUS-3B. Evidence in support of pathogenic classification: Variant is present in gnomAD <0.01 for a recessive condition (v4: 3 heterozygote(s), 0 homozygote(s), 0 hemizygote(s); v2: 2 heterozygote(s), 0 homozygote(s), 1 hemizygote(s)). Additional information: Variant is predicted to result in a missense amino acid change from Arg to Gln; This variant is hemizygous; This gene is associated with X-linked recessive disease. Alternative amino acid change(s) at the same position are present in gnomAD (highest allele count: v4: 7 heterozygote(s), 0 homozygote(s), 2 hemizygote(s)); This variant has no previous evidence of pathogenicity; No published evidence of segregation with disease has been identified for this variant; No published functional evidence has been identified for this variant; Another missense variant(s) comparable to the one identified in this case has inconclusive previous evidence for pathogenicity. p.(Arg176Trp) has been classified as a variant of uncertain significance by a clinical laboratory (ClinVar); Variant is not located in an established domain, motif, hotspot or informative constraint region; Missense variant with inconclusive in silico prediction and uninformative conservation; Loss of function is a known mechanism of disease in this gene and is associated with Renpenning syndrome (MIM#309500).

Literature cited by the submitters: PubMed 31840929.